The following is an entry in ClinVar:

NM_144670.6(A2ML1):c.2758C>G (p.Pro920Ala)

Gene: A2ML1 (alpha-2-macroglobulin like 1; plus strand). Cytogenetic location: 12p13.31.
Variant type: single nucleotide variant.
Coding change: c.2758C>G on transcript NM_144670.6 (MANE Select); coding-DNA position 2758, C replaced by G.
Protein change: p.Pro920Ala; replaces proline 920 with alanine.
Molecular consequence: missense variant.
Genome position (GRCh38, 1-based): chr12:8,854,825, C>G. VCF-style: chr12-8854825-C-G. GRCh37 (hg19) VCF-style: chr12-9007421-C-G.
Other names: c.2758C>G (NM_144670.5); c.1285C>G, p.Pro429Ala (NM_001282424.3); short protein forms P429A, P920A.
Identifiers: ClinVar variation 1795631 (VCV001795631.7), dbSNP rs771684413, ClinGen allele CA6436121.

ClinVar aggregate classification (germline): Uncertain significance. Review status: criteria provided, multiple submitters, no conflicts (2 of 4 stars). 3 submissions from 3 submitters: Uncertain significance (3). Last evaluated 2026-01-08.

Conditions:
A2ML1-related disorder. Also called: A2ML1-related condition.

Allele frequency attached by ClinVar (database versions not stated): ExAC 0.00001; gnomAD 0.00001; gnomAD exomes 0.00001; TOPMed 0.00001.
gnomAD v4.1: 16 of 1,613,762 alleles (0.00099%); highest among the groups gnomAD compares: Middle Eastern, 0.017%; no homozygotes.

Submissions (3):

Labcorp Genetics (formerly Invitae), Labcorp
Classification: Uncertain significance. Last evaluated: 2026-01-08. Review status: criteria provided, single submitter. Criteria: Invitae Variant Classification Sherloc (09022015). Collection method: clinical testing. Allele origin: germline.
Comment: This sequence change replaces proline, which is neutral and non-polar, with alanine, which is neutral and non-polar, at codon 920 of the A2ML1 protein (p.Pro920Ala). This variant is present in population databases (rs771684413, gnomAD 0.004%). This variant has not been reported in the literature in individuals affected with A2ML1-related conditions. ClinVar contains an entry for this variant (Variation ID: 1795631). An algorithm developed to predict the effect of missense changes on protein structure and function (PolyPhen-2) suggests that this variant is likely to be tolerated. In summary, the available evidence is currently insufficient to determine the role of this variant in disease. Therefore, it has been classified as a Variant of Uncertain Significance.

Ambry Genetics
Classification: Uncertain significance. Last evaluated: 2025-12-11. Review status: criteria provided, single submitter. Criteria: Ambry Variant Classification Scheme 2023. Collection method: clinical testing. Allele origin: germline.
Comment: The p.P920A variant (also known as c.2758C>G), located in coding exon 22 of the A2ML1 gene, results from a C to G substitution at nucleotide position 2758. The proline at codon 920 is replaced by alanine, an amino acid with highly similar properties. This amino acid position is conserved. In addition, this alteration is predicted to be tolerated by in silico analysis. Since supporting evidence is limited at this time, the clinical significance of this alteration remains unclear.

PreventionGenetics, part of Exact Sciences
Classification: Uncertain significance for A2ML1-related condition. Last evaluated: 2025-10-23. Review status: criteria provided, single submitter. Criteria: ACMG Guidelines, 2015. Collection method: clinical testing. Allele origin: germline.
Comment: The A2ML1 c.2758C>G variant is predicted to result in the amino acid substitution p.Pro920Ala. To our knowledge, this variant has not been reported in the literature. This variant is reported in 0.0027% of alleles in individuals of European (Non-Finnish) descent in gnomAD. At this time, the clinical significance of this variant is uncertain due to the absence of conclusive functional and genetic evidence.